The following is an entry in ClinVar:

ClinVar aggregate classification (germline): Pathogenic. Review status: criteria provided, multiple submitters, no conflicts (2 of 4 stars). 2 submissions from 2 submitters: Pathogenic (2). Last evaluated 2024-04-20.

Conditions:
Joubert syndrome. Also called: JOUBERT-BOLTSHAUSER SYNDROME; Familial aplasia of the vermis. Identifiers: Orphanet 475, MedGen C5979921, MONDO:0018772.
Joubert syndrome 3 (JBTS3). Also called: AHI1-related Ciliopathy. Identifiers: Orphanet 220493, MedGen C1837713, MONDO:0012078, OMIM 608629.

Submissions (2):

Myriad Genetics, Inc.
Classification: Pathogenic for Joubert syndrome 3. Last evaluated: 2024-04-20. Review status: criteria provided, single submitter. Criteria: Myriad Autosomal Dominant, Autosomal Recessive and X-Linked Classification Criteria (2023). Collection method: clinical testing. Allele origin: unknown.
Comment: NM_001134831.1(AHI1):c.2748T>G(Y916*) is expected to be pathogenic in the context of Joubert syndrome, AHI1-related. This variant is predicted to lead to an abnormal or absent protein product due to the creation of a premature termination codon in AHI1, a gene where loss-of-function variants are known to be pathogenic. Please note: this variant was assessed in the context of healthy population screening.

Labcorp Genetics (formerly Invitae), Labcorp
Classification: Pathogenic for Joubert syndrome. Last evaluated: 2023-10-23. Review status: criteria provided, single submitter. Criteria: Invitae Variant Classification Sherloc (09022015). Collection method: clinical testing. Allele origin: germline.
Comment: This sequence change creates a premature translational stop signal (p.Tyr916*) in the AHI1 gene. It is expected to result in an absent or disrupted protein product. Loss-of-function variants in AHI1 are known to be pathogenic (PMID: 15322546, 16453322, 28442542, 29186038). This variant is not present in population databases (gnomAD no frequency). This variant has not been reported in the literature in individuals affected with AHI1-related conditions. For these reasons, this variant has been classified as Pathogenic.

Literature cited by the submitters: PubMed 15322546 (cited by Labcorp Genetics (formerly Invitae), Labcorp); PubMed 16453322 (cited by Labcorp Genetics (formerly Invitae), Labcorp); PubMed 28442542 (cited by Labcorp Genetics (formerly Invitae), Labcorp); PubMed 29186038 (cited by Labcorp Genetics (formerly Invitae), Labcorp).

NM_001134831.2(AHI1):c.2748T>G (p.Tyr916Ter)

Gene: AHI1 (Abelson helper integration site 1; minus strand). Cytogenetic location: 6q23.3.
Variant type: single nucleotide variant.
Coding change: c.2748T>G on transcript NM_001134831.2 (MANE Select); coding-DNA position 2748, T replaced by G.
Protein change: p.Tyr916Ter; replaces tyrosine 916 with a stop codon.
Molecular consequence: nonsense.
Genome position (GRCh38, 1-based): chr6:135,427,183, A>C on the plus strand (T>G on the coding strand, the complement: AHI1 is on the minus strand). VCF-style: chr6-135427183-A-C. GRCh37 (hg19) VCF-style: chr6-135748321-A-C.
Other names: c.2748T>G, p.Tyr916Ter (NM_001134830.2, NM_001134832.2, NM_001350503.2 and 2 more transcripts); short protein forms Y916*.
Identifiers: ClinVar variation 2770523 (VCV002770523.4), dbSNP rs2484504701, ClinGen allele CA365740890.
Genomic context (GRCh38, chr6:135,427,183, plus strand): 5'-AAGGTTACTCTAAAAATTCTTTACTTATCAAGTGGTAGACTTACCATGGAAATCGTAAAT[A>C]TACAGAAGAATTGGCTCATTTTGCCCAAATGCACAGAATGCAACCATATTTTCAAATGGA-3'